The following is an entry in ClinVar:

ClinVar aggregate classification (germline): Conflicting classifications of pathogenicity. Review status: criteria provided, conflicting classifications (1 of 4 stars). 3 submissions from 3 submitters: Uncertain significance (2); Likely benign (1). Last evaluated 2025-11-21.

Conditions:
Neurofibromatosis, type 1 (NF1). Also called: VON RECKLINGHAUSEN DISEASE; NEUROFIBROMATOSIS, TYPE I, SOMATIC; Peripheral type neurofibromatosis; Neurofibromatosis, type I. Identifiers: Orphanet 636, MedGen C0027831, MONDO:0018975, OMIM 162200. Disease mechanism: loss of function.
Cardiovascular phenotype. Identifiers: MedGen CN230736.
Hereditary cancer-predisposing syndrome. Also called: Neoplastic Syndromes, Hereditary; Hereditary neoplastic syndrome; Hereditary Cancer Syndrome; Tumor predisposition. Identifiers: Orphanet 140162, MedGen C0027672, MeSH D009386, MONDO:0015356.
Juvenile myelomonocytic leukemia (JMML). Also called: LEUKEMIA, JUVENILE MYELOMONOCYTIC, SOMATIC. Identifiers: Orphanet 86834, MedGen C0349639, MONDO:0011908, OMIM 607785, HP:0012209.

Allele frequency attached by ClinVar (database versions not stated): gnomAD exomes below 0.00001; gnomAD 0.00001.
gnomAD v4.1: 3 of 1,613,830 alleles (0.00019%); highest among the groups gnomAD compares: Non-Finnish European, 0.00025%; no homozygotes.

Submissions (3):

Labcorp Genetics (formerly Invitae), Labcorp
Classification: Likely benign for Neurofibromatosis, type 1. Last evaluated: 2025-11-21. Review status: criteria provided, single submitter. Criteria: Invitae Variant Classification Sherloc (09022015). Collection method: clinical testing. Allele origin: germline.

Ambry Genetics
Classification: Uncertain significance for Cardiovascular phenotype; Hereditary cancer-predisposing syndrome. Last evaluated: 2024-10-08. Review status: criteria provided, single submitter. Criteria: Ambry Variant Classification Scheme 2023. Collection method: clinical testing. Allele origin: germline.
Comment: The p.A2623G variant (also known as c.7868C>G), located in coding exon 53 of the NF1 gene, results from a C to G substitution at nucleotide position 7868. The alanine at codon 2623 is replaced by glycine, an amino acid with similar properties. This amino acid position is highly conserved in available vertebrate species. In addition, the in silico prediction for this alteration is inconclusive. Based on the available evidence, the clinical significance of this variant remains unclear.

Baylor Genetics
Classification: Uncertain significance for Juvenile myelomonocytic leukemia. Last evaluated: 2023-11-03. Review status: criteria provided, single submitter. Criteria: ACMG Guidelines, 2015. Collection method: clinical testing. Allele origin: unknown.

NM_001042492.3(NF1):c.7931C>G (p.Ala2644Gly)

Gene: NF1 (neurofibromin 1; plus strand). Cytogenetic location: 17q11.2.
Variant type: single nucleotide variant.
Coding change: c.7931C>G on transcript NM_001042492.3 (MANE Select); coding-DNA position 7931, C replaced by G.
Protein change: p.Ala2644Gly; replaces alanine 2644 with glycine.
Molecular consequence: missense variant.
Genome position (GRCh38, 1-based): chr17:31,357,330, C>G. VCF-style: chr17-31357330-C-G. GRCh37 (hg19) VCF-style: chr17-29684348-C-G.
Other names: c.7868C>G, p.Ala2623Gly (NM_000267.4); short protein forms A2623G, A2644G.
Identifiers: ClinVar variation 657485 (VCV000657485.12), dbSNP rs766494934, ClinGen allele CA289710952.